The following is an entry in ClinVar:

NM_001330691.3(CEP78):c.140C>G (p.Ala47Gly)

Gene: CEP78 (centrosomal protein 78; plus strand). Cytogenetic location: 9q21.2.
Variant type: single nucleotide variant.
Coding change: c.140C>G on transcript NM_001330691.3 (MANE Select); coding-DNA position 140, C replaced by G.
Protein change: p.Ala47Gly; replaces alanine 47 with glycine.
Molecular consequence: missense variant.
Genome position (GRCh38, 1-based): chr9:78,236,490, C>G. VCF-style: chr9-78236490-C-G. GRCh37 (hg19) VCF-style: chr9-80851406-C-G.
Other names: c.140C>G, p.Ala47Gly (NM_001098802.3, NM_001330693.3, NM_001330694.2 and 4 more transcripts); short protein forms A47G.
Identifiers: ClinVar variation 1927649 (VCV001927649.5), dbSNP rs1408889954, ClinGen allele CA373999338.
Genomic context (GRCh38, chr9:78,236,490, plus strand): 5'-ACTCGGTGCCGCTGCCCGCCGTGCGCGCCTGTCTCCGGGAGGGCGTGCTGGATTTCAACG[C>G]CGACCGCCTCCGCGGGGTGGACTGGGCGCCTCTGCTGAGCACCCTCAAGATCAATAAAGA-3'
Protein context (NP_001317620.1, residues 37-57): CLREGVLDFN[Ala47Gly]DRLRGVDWAP

ClinVar aggregate classification (germline): Uncertain significance (1 of 4 stars; one submission).

Allele frequency attached by ClinVar (database versions not stated): gnomAD exomes 0.00001; TOPMed 0.00002; gnomAD 0.00003.
gnomAD v4.1: 12 of 1,606,238 alleles (0.00075%); highest among the groups gnomAD compares: Non-Finnish European, 0.001%; no homozygotes.

Submission:

Labcorp Genetics (formerly Invitae), Labcorp
Classification: Uncertain significance. Last evaluated: 2025-03-31. Review status: criteria provided, single submitter. Criteria: Invitae Variant Classification Sherloc (09022015). Collection method: clinical testing. Allele origin: germline.
Comment: This sequence change replaces alanine, which is neutral and non-polar, with glycine, which is neutral and non-polar, at codon 47 of the CEP78 protein (p.Ala47Gly). This variant is present in population databases (no rsID available, gnomAD 0.002%). This variant has not been reported in the literature in individuals affected with CEP78-related conditions. ClinVar contains an entry for this variant (Variation ID: 1927649). Invitae Evidence Modeling of protein sequence and biophysical properties (such as structural, functional, and spatial information, amino acid conservation, physicochemical variation, residue mobility, and thermodynamic stability) indicates that this missense variant is not expected to disrupt CEP78 protein function with a negative predictive value of 80%. In summary, the available evidence is currently insufficient to determine the role of this variant in disease. Therefore, it has been classified as a Variant of Uncertain Significance.